The following is an entry in ClinVar:

ClinVar aggregate classification (germline): Likely pathogenic (1 of 4 stars; one submission).

Conditions:
Hereditary cancer-predisposing syndrome. Also called: Hereditary Cancer Syndrome; Tumor predisposition; Hereditary neoplastic syndrome; Neoplastic Syndromes, Hereditary. Identifiers: Orphanet 140162, MedGen C0027672, MeSH D009386, MONDO:0015356.
Cardiovascular phenotype. Identifiers: MedGen CN230736.

gnomAD v4.1: 1 of 1,603,758 alleles (0.000062%); highest among the groups gnomAD compares: Non-Finnish European, 0.000085%; no homozygotes.

Submission:

Ambry Genetics
Classification: Likely pathogenic for Cardiovascular phenotype; Hereditary cancer-predisposing syndrome. Last evaluated: 2024-11-13. Review status: criteria provided, single submitter. Criteria: Ambry Variant Classification Scheme 2023. Collection method: clinical testing. Allele origin: germline.
Comment: The c.655-1G>C intronic variant results from a G to C substitution one nucleotide upstream from coding exon 7 of the NF1 gene. This variant is considered to be rare based on population cohorts in the Genome Aggregation Database (gnomAD). This nucleotide position is highly conserved in available vertebrate species. In silico splice site analysis predicts that this alteration will weaken the native splice acceptor site. Alterations that disrupt the canonical splice site are expected to cause aberrant splicing, resulting in an abnormal protein or a transcript that is subject to nonsense-mediated mRNA decay. As such, this alteration is classified as likely pathogenic.

NM_001042492.3(NF1):c.655-1G>C

Gene: NF1 (neurofibromin 1; plus strand). Cytogenetic location: 17q11.2.
Variant type: single nucleotide variant.
Coding change: c.655-1G>C on transcript NM_001042492.3 (MANE Select); the canonical splice acceptor site of the intron before coding-DNA position 655, G replaced by C.
Molecular consequence: splice acceptor variant.
Genome position (GRCh38, 1-based): chr17:31,181,709, G>C. VCF-style: chr17-31181709-G-C. GRCh37 (hg19) VCF-style: chr17-29508727-G-C.
Other names: c.655-1G>C (NM_000267.4, NM_001128147.3).
Identifiers: ClinVar variation 3404598 (VCV003404598.1).